The following is an entry in ClinVar:

NM_000346.4(SOX9):c.1510A>G (p.Thr504Ala)

Gene: SOX9 (SRY-box transcription factor 9; plus strand). Cytogenetic location: 17q24.3.
Variant type: single nucleotide variant.
Coding change: c.1510A>G on transcript NM_000346.4 (MANE Select); coding-DNA position 1510, A replaced by G.
Protein change: p.Thr504Ala; replaces threonine 504 with alanine.
Molecular consequence: missense variant.
Genome position (GRCh38, 1-based): chr17:72,124,367, A>G. VCF-style: chr17-72124367-A-G. GRCh37 (hg19) VCF-style: chr17-70120508-A-G.
Other names: short protein forms T504A.
Identifiers: ClinVar variation 1022506 (VCV001022506.10), dbSNP rs149888060, ClinGen allele CA8739174.

ClinVar aggregate classification (germline): Uncertain significance. Review status: criteria provided, multiple submitters, no conflicts (2 of 4 stars). 2 submissions from 2 submitters: Uncertain significance (2). Last evaluated 2023-10-09.

Conditions:
Camptomelic dysplasia (CMPD). Also called: CMPD1/SRA1; Campomelic Dysplasia. Identifiers: Orphanet 140, MedGen C1861922, MONDO:0007251, OMIM 114290.

Allele frequency attached by ClinVar (database versions not stated): gnomAD 0.00002; gnomAD exomes 0.00002 and 0.00005; TOPMed 0.00003; ESP Exome Variant Server 0.00008; ExAC 0.00009.
gnomAD v4.1: 43 of 1,600,322 alleles (0.0027%); highest among the groups gnomAD compares: Non-Finnish European, 0.0027%; no homozygotes.

Submissions (2):

Labcorp Genetics (formerly Invitae), Labcorp
Classification: Uncertain significance for Camptomelic dysplasia. Last evaluated: 2023-10-09. Review status: criteria provided, single submitter. Criteria: Invitae Variant Classification Sherloc (09022015). Collection method: clinical testing. Allele origin: germline.
Comment: This sequence change replaces threonine, which is neutral and polar, with alanine, which is neutral and non-polar, at codon 504 of the SOX9 protein (p.Thr504Ala). This variant is present in population databases (rs149888060, gnomAD 0.01%). This variant has not been reported in the literature in individuals affected with SOX9-related conditions. ClinVar contains an entry for this variant (Variation ID: 1022506). Advanced modeling of protein sequence and biophysical properties (such as structural, functional, and spatial information, amino acid conservation, physicochemical variation, residue mobility, and thermodynamic stability) performed at Invitae indicates that this missense variant is expected to disrupt SOX9 protein function. In summary, the available evidence is currently insufficient to determine the role of this variant in disease. Therefore, it has been classified as a Variant of Uncertain Significance.

Breakthrough Genomics
Classification: Uncertain significance. Review status: criteria provided, single submitter. Criteria: ACMG Guidelines, 2015. Collection method: not provided. Allele origin: germline. Inheritance: Autosomal dominant inheritance. Affected: yes.